The following is an entry in ClinVar:

NM_181882.3(PRX):c.2715C>A (p.Thr905=)

Gene: PRX (periaxin; minus strand). Cytogenetic location: 19q13.2.
Variant type: single nucleotide variant.
Coding change: c.2715C>A on transcript NM_181882.3 (MANE Select); coding-DNA position 2715, C replaced by A.
Protein change: p.Thr905=; no amino-acid change (threonine 905 retained).
Molecular consequence: synonymous variant. On other transcripts: 3 prime UTR variant (1).
Genome position (GRCh38, 1-based): chr19:40,395,637, G>T on the plus strand (C>A on the coding strand, the complement: PRX is on the minus strand). VCF-style: chr19-40395637-G-T. GRCh37 (hg19) VCF-style: chr19-40901544-G-T.
Other names: c.*2920C>A (NM_020956.2).
Identifiers: ClinVar variation 697161 (VCV000697161.40), dbSNP rs188765166, ClinGen allele CA9443997.

ClinVar aggregate classification (germline): Conflicting classifications of pathogenicity. Review status: criteria provided, conflicting classifications (1 of 4 stars). 6 submissions from 6 submitters: Uncertain significance (1); Likely benign (5). Last evaluated 2026-05-29.

Conditions:
Charcot-Marie-Tooth disease. Also called: Charcot-Marie-Tooth Neuropathy; Charcot-Marie-Tooth Hereditary Neuropathy. Identifiers: Orphanet 166, MedGen C0007959, MONDO:0015626.
PRX-related disorder. Also called: PRX-Related Disorders; PRX-related condition.
Charcot-Marie-Tooth disease type 4. Also called: Charcot-Marie-Tooth disease, type IV; Charcot-Marie-Tooth, Type 4. Identifiers: Orphanet 64749, MedGen C4082197, MONDO:0018995.
Charcot-Marie-Tooth disease type 4F. Also called: Charcot-Marie-Tooth disease, demyelinating, type 4F. Identifiers: Orphanet 99952, MedGen C3540453, MONDO:0013959, OMIM 614895.

Allele frequency attached by ClinVar (database versions not stated): gnomAD 0.00004; TOPMed 0.00006; ESP Exome Variant Server 0.00008; 1000 Genomes Project 30x 0.00016; 1000 Genomes Project 0.00020.
gnomAD v4.1: 74 of 1,614,158 alleles (0.0046%); highest among the groups gnomAD compares: Non-Finnish European, 0.0055%; no homozygotes.

Submissions (6):

Women's Health and Genetics/Laboratory Corporation of America, LabCorp
Classification: Likely benign. Last evaluated: 2026-05-29. Review status: criteria provided, single submitter. Criteria: LabCorp Variant Classification Summary - May 2015. Collection method: clinical testing. Allele origin: germline.

Labcorp Genetics (formerly Invitae), Labcorp
Classification: Likely benign for Charcot-Marie-Tooth disease type 4. Last evaluated: 2026-01-31. Review status: criteria provided, single submitter. Criteria: Invitae Variant Classification Sherloc (09022015). Collection method: clinical testing. Allele origin: germline.

PreventionGenetics, part of Exact Sciences
Classification: Likely benign for PRX-related condition. Last evaluated: 2025-06-02. Review status: criteria provided, single submitter. Criteria: ACMG Guidelines, 2015. Collection method: clinical testing. Allele origin: germline.
Comment: This variant is classified as likely benign based on ACMG/AMP sequence variant interpretation guidelines (Richards et al. 2015 PMID: 25741868, with internal and published modifications).

CeGaT Center for Human Genetics Tuebingen
Classification: Likely benign. Last evaluated: 2022-10-01. Review status: criteria provided, single submitter. Criteria: CeGaT Center For Human Genetics Tuebingen Variant Classification Criteria Version 2. Collection method: clinical testing. Allele origin: germline. Affected: yes. Observed: 1 variant allele.
Comment: PRX: BP4, BP7

Illumina Laboratory Services, Illumina
Classification: Uncertain significance for Charcot-Marie-Tooth disease type 4F. Last evaluated: 2018-01-13. Review status: criteria provided, single submitter. Criteria: ICSL Variant Classification Criteria 13 December 2019. Collection method: clinical testing. Allele origin: germline.

Molecular Genetics Laboratory, London Health Sciences Centre
Classification: Likely benign for Charcot-Marie-Tooth disease. Review status: criteria provided, single submitter. Criteria: ACMG Guidelines, 2015. Collection method: clinical testing. Allele origin: germline. Affected: yes.